The following is an entry in ClinVar:

ClinVar aggregate classification (germline): Uncertain significance. Review status: criteria provided, multiple submitters, no conflicts (2 of 4 stars). 2 submissions from 2 submitters: Uncertain significance (2). Last evaluated 2026-03-26.

Conditions:
Hereditary cancer-predisposing syndrome. Also called: Tumor predisposition; Hereditary neoplastic syndrome; Neoplastic Syndromes, Hereditary; Hereditary Cancer Syndrome. Identifiers: Orphanet 140162, MedGen C0027672, MeSH D009386, MONDO:0015356.
Cardiovascular phenotype. Identifiers: MedGen CN230736.
Neurofibromatosis, type 1 (NF1). Also called: Neurofibromatosis, type I; Peripheral type neurofibromatosis; VON RECKLINGHAUSEN DISEASE; NEUROFIBROMATOSIS, TYPE I, SOMATIC. Identifiers: Orphanet 636, MedGen C0027831, MONDO:0018975, OMIM 162200. Disease mechanism: loss of function.

Submissions (2):

Ambry Genetics
Classification: Uncertain significance for Cardiovascular phenotype; Hereditary cancer-predisposing syndrome. Last evaluated: 2026-03-26. Review status: criteria provided, single submitter. Criteria: Ambry Variant Classification Scheme 2023. Collection method: clinical testing. Allele origin: germline.
Comment: The p.Q400E variant (also known as c.1198C>G), located in coding exon 11 of the NF1 gene, results from a C to G substitution at nucleotide position 1198. The glutamine at codon 400 is replaced by glutamic acid, an amino acid with highly similar properties. This amino acid position is well conserved in available vertebrate species. In addition, this alteration is predicted to be tolerated by in silico analysis. Based on the available evidence, the clinical significance of this variant remains unclear.

Labcorp Genetics (formerly Invitae), Labcorp
Classification: Uncertain significance for Neurofibromatosis, type 1. Last evaluated: 2023-07-28. Review status: criteria provided, single submitter. Criteria: Invitae Variant Classification Sherloc (09022015). Collection method: clinical testing. Allele origin: germline.
Comment: This sequence change replaces glutamine, which is neutral and polar, with glutamic acid, which is acidic and polar, at codon 400 of the NF1 protein (p.Gln400Glu). This variant is not present in population databases (gnomAD no frequency). In summary, the available evidence is currently insufficient to determine the role of this variant in disease. Therefore, it has been classified as a Variant of Uncertain Significance. Advanced modeling of protein sequence and biophysical properties (such as structural, functional, and spatial information, amino acid conservation, physicochemical variation, residue mobility, and thermodynamic stability) performed at Invitae indicates that this missense variant is not expected to disrupt NF1 protein function. This variant has not been reported in the literature in individuals affected with NF1-related conditions.

NM_001042492.3(NF1):c.1198C>G (p.Gln400Glu)

Gene: NF1 (neurofibromin 1; plus strand). Cytogenetic location: 17q11.2.
Variant type: single nucleotide variant.
Coding change: c.1198C>G on transcript NM_001042492.3 (MANE Select); coding-DNA position 1198, C replaced by G.
Protein change: p.Gln400Glu; replaces glutamine 400 with glutamic acid.
Molecular consequence: missense variant.
Genome position (GRCh38, 1-based): chr17:31,201,423, C>G. VCF-style: chr17-31201423-C-G. GRCh37 (hg19) VCF-style: chr17-29528441-C-G.
Other names: c.1198C>G, p.Gln400Glu (NM_000267.4, NM_001128147.3); short protein forms Q400E.
Identifiers: ClinVar variation 2747377 (VCV002747377.4), dbSNP rs1597682751, ClinGen allele CA398997449.